The following is an entry in ClinVar:

ClinVar aggregate classification (germline): Benign. Review status: criteria provided, multiple submitters, no conflicts (2 of 4 stars). 2 submissions from 2 submitters: Benign (2). Last evaluated 2018-01-12.

Conditions:
Seizures, benign familial neonatal, 2. Also called: CONVULSIONS, BENIGN FAMILIAL NEONATAL, 2; KCNQ3-Related Self-Limited Familial Neonatal Epilepsy (SLFNE); Benign Neonatal Epilepsy 2; KCNQ3-Related Benign Familial Neonatal Epilepsy; Seizures, benign neonatal, 2. Identifiers: Orphanet 1949, MedGen C1852581, MONDO:0007366, OMIM 121201.

Allele frequency attached by ClinVar (database versions not stated): 1000 Genomes Project 0.29313; TOPMed 0.39592; gnomAD 0.42325 and 0.41751; 1000 Genomes Project 30x 0.29435.

Submissions (2):

Illumina Laboratory Services, Illumina
Classification: Benign for Seizures, benign familial neonatal, 2. Last evaluated: 2018-01-12. Review status: criteria provided, single submitter. Criteria: ICSL Variant Classification Criteria 13 December 2019. Collection method: clinical testing. Allele origin: germline.
Comment: This variant was observed in the ICSL laboratory as part of a predisposition screen in an ostensibly healthy population. It had not been previously curated by ICSL or reported in the Human Gene Mutation Database (HGMD: prior to June 1st, 2018), and was therefore a candidate for classification through an automated scoring system. Utilizing variant allele frequency, disease prevalence and penetrance estimates, and inheritance mode, an automated score was calculated to assess if this variant is too frequent to cause the disease. Based on the score and internal cut-off values, a variant classified as benign is not then subjected to further curation. The score for this variant resulted in a classification of benign for this disease.

Breakthrough Genomics
Classification: Benign. Review status: criteria provided, single submitter. Criteria: ACMG Guidelines, 2015. Collection method: not provided. Allele origin: germline. Inheritance: Autosomal dominant inheritance. Affected: yes.

NM_004519.4(KCNQ3):c.*3032A>G

Gene: KCNQ3 (potassium voltage-gated channel subfamily Q member 3; minus strand). Cytogenetic location: 8q24.22.
Variant type: single nucleotide variant.
Coding change: c.*3032A>G on transcript NM_004519.4 (MANE Select); 3032 bases downstream of the stop codon, A replaced by G.
Molecular consequence: 3 prime UTR variant.
Genome position (GRCh38, 1-based): chr8:132,126,230, T>C on the plus strand (A>G on the coding strand, the complement: KCNQ3 is on the minus strand). VCF-style: chr8-132126230-T-C. GRCh37 (hg19) VCF-style: chr8-133138477-T-C.
Other names: c.*3032A>G (NM_001204824.2).
Identifiers: ClinVar variation 361834 (VCV000361834.7), dbSNP rs2469626, ClinGen allele CA10630217.